The following is an entry in ClinVar:

NM_001376013.1(EPB41):c.90A>G (p.Gln30=)

Gene: EPB41 (erythrocyte membrane protein band 4.1; plus strand). Cytogenetic location: 1p35.3.
Variant type: single nucleotide variant.
Coding change: c.90A>G on transcript NM_001376013.1 (MANE Select); coding-DNA position 90, A replaced by G.
Protein change: p.Gln30=; no amino-acid change (glutamine 30 retained).
Molecular consequence: synonymous variant. On other transcripts: 5 prime UTR variant (10).
Genome position (GRCh38, 1-based): chr1:28,987,527, A>G. VCF-style: chr1-28987527-A-G. GRCh37 (hg19) VCF-style: chr1-29314039-A-G.
Other names: c.90A>G, p.Gln30= (NM_001166005.2, NM_001166006.2, NM_001376014.1 and 8 more transcripts); c.-538A>G (NM_001166007.2, NM_001376022.1, NM_001376023.1 and 5 more transcripts); c.-618A>G (NM_004437.4, NM_203342.3).
Identifiers: ClinVar variation 4981648 (VCV004981648.1).

ClinVar aggregate classification (germline): Likely benign (1 of 4 stars; one submission).

Conditions:
EPB41-related disorder. Also called: EPB41-related condition.

gnomAD v4.1: 24 of 1,614,110 alleles (0.0015%); highest among the groups gnomAD compares: Middle Eastern, 0.016%; no homozygotes.

Submission:

PreventionGenetics, part of Exact Sciences
Classification: Likely benign for EPB41-related condition. Last evaluated: 2026-05-17. Review status: criteria provided, single submitter. Criteria: ACMG Guidelines, 2015. Collection method: clinical testing. Allele origin: germline.
Comment: This variant is classified as likely benign based on ACMG/AMP sequence variant interpretation guidelines (Richards et al. 2015 PMID: 25741868, with internal and published modifications).